The following is an entry in ClinVar:

ClinVar aggregate classification (germline): Likely benign. Review status: criteria provided, multiple submitters, no conflicts (2 of 4 stars). 2 submissions from 2 submitters: Likely benign (2). Last evaluated 2018-06-16.

Allele frequency attached by ClinVar (database versions not stated): TOPMed 0.00568; 1000 Genomes Project 0.00639; 1000 Genomes Project 30x 0.00671.
gnomAD v4.1: 1,403 of 1,383,616 alleles (0.1%); highest among the groups gnomAD compares: African/African-American, 1.8%; 17 homozygotes.

Submissions (2):

GeneDx
Classification: Likely benign. Last evaluated: 2018-06-16. Review status: criteria provided, single submitter. Criteria: GeneDx Variant Classification (06012015). Collection method: clinical testing. Allele origin: germline. Affected: yes.
Comment: This variant is considered likely benign or benign based on one or more of the following criteria: it is a conservative change, it occurs at a poorly conserved position in the protein, it is predicted to be benign by multiple in silico algorithms, and/or has population frequency not consistent with disease.

Breakthrough Genomics
Classification: Likely benign. Review status: criteria provided, single submitter. Criteria: ACMG Guidelines, 2015. Collection method: not provided. Allele origin: germline. Inheritance: Autosomal recessive inheritance. Affected: yes.

NM_006440.5(TXNRD2):c.450-75G>C

Gene: TXNRD2 (thioredoxin reductase 2; minus strand). Cytogenetic location: 22q11.21.
Variant type: single nucleotide variant.
Coding change: c.450-75G>C on transcript NM_006440.5 (MANE Select); 75 bases into the intron before coding-DNA position 450, G replaced by C.
Molecular consequence: intron variant.
Genome position (GRCh38, 1-based): chr22:19,915,918, C>G on the plus strand (G>C on the coding strand, the complement: TXNRD2 is on the minus strand). VCF-style: chr22-19915918-C-G. GRCh37 (hg19) VCF-style: chr22-19903441-C-G.
Other names: c.447-75G>C (NM_001352300.2); c.162-75G>C (NM_001352302.2); c.360-75G>C (NM_001352301.2); c.450-75G>C (NM_001282512.3); c.354-75G>C (NM_001352303.2).
Identifiers: ClinVar variation 679073 (VCV000679073.2), dbSNP rs79661740, ClinGen allele CA322105215.